The following is an entry in ClinVar:

ClinVar aggregate classification (germline): Uncertain significance. Review status: criteria provided, multiple submitters, no conflicts (2 of 4 stars). 3 submissions from 3 submitters: Uncertain significance (3). Last evaluated 2025-11-05.

Conditions:
Neurodevelopmental disorder with nonspecific brain abnormalities and with or without seizures. Identifiers: MedGen C5231470, MONDO:0032877, OMIM 618709.
Inborn genetic diseases. Identifiers: MedGen C0950123, MeSH D030342.

Allele frequency attached by ClinVar (database versions not stated): gnomAD 0.00005; TOPMed 0.00007; gnomAD exomes 0.00016; ExAC 0.00019; 1000 Genomes Project 0.00020; 1000 Genomes Project 30x 0.00031.

Submissions (3):

Labcorp Genetics (formerly Invitae), Labcorp
Classification: Uncertain significance. Last evaluated: 2025-11-05. Review status: criteria provided, single submitter. Criteria: Invitae Variant Classification Sherloc (09022015). Collection method: clinical testing. Allele origin: germline.
Comment: This sequence change replaces arginine, which is basic and polar, with cysteine, which is neutral and slightly polar, at codon 635 of the DLL1 protein (p.Arg635Cys). This variant is present in population databases (rs192428019, gnomAD 0.03%). This variant has not been reported in the literature in individuals affected with DLL1-related conditions. ClinVar contains an entry for this variant (Variation ID: 1683630). An algorithm developed to predict the effect of missense changes on protein structure and function outputs the following: PolyPhen-2: "Benign". The cysteine amino acid residue is found in multiple mammalian species, which suggests that this missense change does not adversely affect protein function. In summary, the available evidence is currently insufficient to determine the role of this variant in disease. Therefore, it has been classified as a Variant of Uncertain Significance.

Laboratorio de Genetica e Diagnostico Molecular, Hospital Israelita Albert Einstein
Classification: Uncertain significance for Neurodevelopmental disorder with nonspecific brain abnormalities and with or without seizures. Last evaluated: 2021-10-06. Review status: criteria provided, single submitter. Criteria: ACMG Guidelines, 2015. Collection method: clinical testing. Allele origin: germline. Affected: yes.

Ambry Genetics
Classification: Uncertain significance for Inborn genetic diseases. Last evaluated: 2021-06-11. Review status: criteria provided, single submitter. Criteria: Ambry Variant Classification Scheme 2023. Collection method: clinical testing. Allele origin: germline.

NM_005618.4(DLL1):c.1903C>T (p.Arg635Cys)

Gene: DLL1 (delta like canonical Notch ligand 1; minus strand). Cytogenetic location: 6q27.
Variant type: single nucleotide variant.
Coding change: c.1903C>T on transcript NM_005618.4 (MANE Select); coding-DNA position 1903, C replaced by T.
Protein change: p.Arg635Cys; replaces arginine 635 with cysteine.
Molecular consequence: missense variant.
Genome position (GRCh38, 1-based): chr6:170,283,376, G>A on the plus strand (C>T on the coding strand, the complement: DLL1 is on the minus strand). VCF-style: chr6-170283376-G-A. GRCh37 (hg19) VCF-style: chr6-170592464-G-A.
Other names: c.1903C>T (NM_005618.3); short protein forms R635C.
Identifiers: ClinVar variation 1683630 (VCV001683630.8), dbSNP rs192428019, ClinGen allele CA4106689.